The following is an entry in ClinVar:

NM_001711.6(BGN):c.479C>G (p.Ser160Cys)

Gene: BGN (biglycan; plus strand). Cytogenetic location: Xq28.
Variant type: single nucleotide variant.
Coding change: c.479C>G on transcript NM_001711.6 (MANE Select); coding-DNA position 479, C replaced by G.
Protein change: p.Ser160Cys; replaces serine 160 with cysteine.
Molecular consequence: missense variant.
Genome position (GRCh38, 1-based): chrX:153,505,990, C>G. VCF-style: chrX-153505990-C-G. GRCh37 (hg19) VCF-style: chrX-152771448-C-G.
Other names: c.479C>G (NM_001711.5); short protein forms S160C.
Identifiers: ClinVar variation 1460605 (VCV001460605.9), dbSNP rs1556993033, ClinGen allele CA415069698.
Genomic context (GRCh38, chrX:153,505,990, plus strand): 5'-TGCAGAAGCTCTACATCTCCAAGAACCACCTGGTGGAGATCCCGCCCAACCTACCCAGCT[C>G]CCTGGTGGAGCTCCGCATCCACGACAACCGCATCCGCAAGGTGCCCAAGGGAGTGTTCAG-3'
Protein context (NP_001702.1, residues 150-170): LVEIPPNLPS[Ser160Cys]LVELRIHDNR

ClinVar aggregate classification (germline): Uncertain significance. Review status: criteria provided, single submitter (1 of 4 stars). 2 submissions from 2 submitters: Uncertain significance (1). 1 of the submissions does not count toward it. Last evaluated 2025-11-18.

Conditions:
BGN-related disorder. Also called: BGN-related condition.

Allele frequency attached by ClinVar (database versions not stated): gnomAD exomes below 0.00001 and 0.00001; TOPMed 0.00002.
gnomAD v4.1: 1 of 1,211,815 alleles (0.000083%); highest among the groups gnomAD compares: Admixed American, 0.0022%; no homozygotes.

Submissions (2):

Labcorp Genetics (formerly Invitae), Labcorp
Classification: Uncertain significance. Last evaluated: 2025-11-18. Review status: criteria provided, single submitter. Criteria: Invitae Variant Classification Sherloc (09022015). Collection method: clinical testing. Allele origin: germline.
Comment: This sequence change replaces serine, which is neutral and polar, with cysteine, which is neutral and slightly polar, at codon 160 of the BGN protein (p.Ser160Cys). This variant is present in population databases (no rsID available, gnomAD 0.004%). This variant has not been reported in the literature in individuals affected with BGN-related conditions. ClinVar contains an entry for this variant (Variation ID: 1460605). Invitae Evidence Modeling of protein sequence and biophysical properties (such as structural, functional, and spatial information, amino acid conservation, physicochemical variation, residue mobility, and thermodynamic stability) has been performed for this missense variant. However, the output from this modeling did not meet the statistical confidence thresholds required to predict the impact of this variant on BGN protein function. In summary, the available evidence is currently insufficient to determine the role of this variant in disease. Therefore, it has been classified as a Variant of Uncertain Significance.

PreventionGenetics, part of Exact Sciences
Classification: Uncertain significance for BGN-related condition. Last evaluated: 2024-03-13. Review status: no assertion criteria provided. Collection method: clinical testing. Allele origin: germline. Not counted in ClinVar's aggregate classification.
Comment: The BGN c.479C>G variant is predicted to result in the amino acid substitution p.Ser160Cys. To our knowledge, this variant has not been reported in the literature. This variant is reported in 0.0036% of alleles in individuals of Latino descent in gnomAD. At this time, the clinical significance of this variant is uncertain due to the absence of conclusive functional and genetic evidence.